The following is an entry in ClinVar:

NM_001165963.4(SCN1A):c.5461C>T (p.Gln1821Ter)

Genes: SCN1A (sodium voltage-gated channel alpha subunit 1; minus strand), LOC102724058 (uncharacterized LOC102724058; plus strand). Cytogenetic location: 2q24.3.
Variant type: single nucleotide variant.
Coding change: c.5461C>T on transcript NM_001165963.4 (MANE Select); coding-DNA position 5461, C replaced by T.
Protein change: p.Gln1821Ter; replaces glutamine 1821 with a stop codon.
Molecular consequence: nonsense. On other transcripts: non-coding transcript variant (1).
Genome position (GRCh38, 1-based): chr2:165,991,814, G>A on the plus strand (C>T on the coding strand, the complement: SCN1A is on the minus strand). VCF-style: chr2-165991814-G-A. GRCh37 (hg19) VCF-style: chr2-166848324-G-A.
Other names: c.5377C>T, p.Gln1793Ter (NM_001165964.3, NM_001353957.2, NM_001353958.2); c.5461C>T, p.Gln1821Ter (NM_001202435.3, NM_001353948.2); c.5428C>T, p.Gln1810Ter (NM_001353949.2, NM_001353950.2, NM_001353951.2 and 2 more transcripts); c.5425C>T, p.Gln1809Ter (NM_001353954.2, NM_001353955.2); c.5374C>T, p.Gln1792Ter (NM_001353960.2); c.3019C>T, p.Gln1007Ter (NM_001353961.2); short protein forms Q1810*, Q1821*, Q1793*, Q1007*, Q1792*, Q1809*.
Identifiers: ClinVar variation 189944 (VCV000189944.1), dbSNP rs794726781, ClinGen allele CA303372.

ClinVar aggregate classification (germline): Pathogenic (1 of 4 stars; one submission).

Conditions:
Severe myoclonic epilepsy in infancy (DRVT). Also called: Epileptic encephalopathy, early infantile, 6 (Dravet syndrome); SEVERE MYOCLONIC EPILEPSY OF INFANCY; DEVELOPMENTAL AND EPILEPTIC ENCEPHALOPATHY 6A; Severe Myoclonic Epilepsy in Infancy (SMEI); Dravet syndrome. Identifiers: Orphanet 33069, MedGen C0751122, MONDO:0100135, OMIM 607208.

Submission:

Center for Bioinformatics, Peking University
Classification: Pathogenic for Dravet syndrome. Last evaluated: 2014-12-20. Review status: criteria provided, single submitter. Criteria: Xu et al. (Hum Mutat. 2015). Collection method: research. Allele origin: de novo. Affected: yes. Observed: 1 variant allele. Study: University Clinical Cooperation “985 Project” PKU-2014-1-1.
Comment: Dravet syndrome (DS) probands were recruited from the outpatient and inpatient child neurology units of Peking University First Hospital from 2005 till present. The study was approved by the Ethics Committee of Peking University First Hospital and the Institutional Review Board at Peking University. Participants or their parents provided written informed consent before enrollment. We collected a total of 267 mutations from 255 families with probands diagnosed with DS in China. All probands fulfilled the clinical diagnostic criteria.